The following is an entry in ClinVar:

ClinVar aggregate classification (germline): Uncertain significance. Review status: criteria provided, multiple submitters, no conflicts (2 of 4 stars). 2 submissions from 2 submitters: Uncertain significance (2). Last evaluated 2024-08-15.

Conditions:
Loeys-Dietz syndrome 2 (LDS2). Also called: AORTIC ANEURYSM, FAMILIAL THORACIC 3; MARFAN SYNDROME, TYPE II; Marfan syndrome, type 2 (formerly); Marfan Syndrome type 2; Marfan like connective tissue disorder; MFS 2. Identifiers: Orphanet 284973, Orphanet 558, MedGen C2674574, MONDO:0012427, OMIM 610168.

Allele frequency attached by ClinVar (database versions not stated): gnomAD exomes below 0.00001; TOPMed below 0.00001; gnomAD 0.00001.

Submissions (2):

Labcorp Genetics (formerly Invitae), Labcorp
Classification: Uncertain significance for Loeys-Dietz syndrome 2. Last evaluated: 2024-08-15. Review status: criteria provided, single submitter. Criteria: Invitae Variant Classification Sherloc (09022015). Collection method: clinical testing. Allele origin: germline.
Comment: This sequence change creates a premature translational stop signal (p.Lys416*) in the TMPO gene. While this is not anticipated to result in nonsense mediated decay, it is expected to disrupt the last 279 amino acid(s) of the TMPO protein. This variant is present in population databases (no rsID available, gnomAD 0.003%). This variant has not been reported in the literature in individuals affected with TMPO-related conditions. ClinVar contains an entry for this variant (Variation ID: 451320). Experimental studies and prediction algorithms are not available or were not evaluated, and the functional significance of this variant is currently unknown. In summary, the available evidence is currently insufficient to determine the role of this variant in disease. Therefore, it has been classified as a Variant of Uncertain Significance.

GeneDx
Classification: Uncertain significance. Last evaluated: 2017-08-14. Review status: criteria provided, single submitter. Criteria: GeneDx Variant Classification (06012015). Collection method: clinical testing. Allele origin: germline. Affected: yes.
Comment: A variant of uncertain significance has been identified in the TMPO gene. The c.1245dupT variant has not been published as pathogenic or been reported as benign to our knowledge. This variant is not observed in large population cohorts (Lek et al., 2016; 1000 Genomes Consortium et al., 2015; Exome Variant Server). The c.1245dupT variant creates a premature stop codon at amino acid position 416 and is expected to result in a truncated protein. If the protein produced is stable, the expected result is loss of the last 279 amino acids. However, in the absence of functional studies, the physiological consequence of this genetic variant cannot be precisely determined. Of note, no other nonsense variants or other loss of function alleles in the TMPO gene have been reported in the Human Gene Mutation Database in association with cardiomyopathy (Stenson et al., 2014), indicating that haploinsufficiency of TMPO may not be sufficient to cause disease.

NM_001032283.3(TMPO):c.565+1664dup

Gene: TMPO (thymopoietin; plus strand). Cytogenetic location: 12q23.1.
Variant type: Duplication.
Coding change: c.565+1664dup on transcript NM_001032283.3 (MANE Select); 1664 bases into the intron after coding-DNA position 565, one base duplicated (T; older notation c.565+1664dupT).
Molecular consequence: intron variant. On other transcripts: nonsense (1).
Genome position (GRCh38, 1-based): chr12:98,533,502, T duplicated. VCF-style (leftmost placement, unchanged base first): chr12-98533501-C-CT. GRCh37 (hg19) VCF-style: chr12-98927279-C-CT.
Other names: c.1245dup, p.Lys416Ter (NM_003276.2); c.1245dupT (NM_003276.2); c.565+1664dup (NM_001307975.2, NM_001032284.3); short protein forms K416*.
Identifiers: ClinVar variation 451320 (VCV000451320.4), dbSNP rs1261891552, ClinGen allele CA607144847.